The following is an entry in ClinVar:

NM_001018115.3(FANCD2):c.3242C>T (p.Pro1081Leu)

Genes: FANCD2 (FA complementation group D2; plus strand), FANCD2OS (FANCD2 opposite strand; minus strand). Cytogenetic location: 3p25.3.
Variant type: single nucleotide variant.
Coding change: c.3242C>T on transcript NM_001018115.3 (MANE Select); coding-DNA position 3242, C replaced by T.
Protein change: p.Pro1081Leu; replaces proline 1081 with leucine.
Molecular consequence: missense variant. On other transcripts: intron variant (1).
Genome position (GRCh38, 1-based): chr3:10,085,829, C>T. VCF-style: chr3-10085829-C-T. GRCh37 (hg19) VCF-style: chr3-10127513-C-T.
Other names: c.3242C>T, p.Pro1081Leu (NM_001319984.2, NM_001374254.1, NM_033084.6); c.3131C>T, p.Pro1044Leu (NM_001374253.1); c.*44-4298G>A (NM_173472.2); short protein forms P1044L, P1081L.
Identifiers: ClinVar variation 3377772 (VCV003377772.1).

ClinVar aggregate classification (germline): Uncertain significance (1 of 4 stars; one submission).

Conditions:
Fanconi anemia complementation group D2. Also called: FANCD2-Related Fanconi Anemia; FANCONI PANCYTOPENIA, TYPE 4; FANCONI ANEMIA, COMPLEMENTATION GROUP D. Identifiers: Orphanet 84, MedGen C3160738, MONDO:0009214, OMIM 227646.

gnomAD v4.1: 2 of 1,612,614 alleles (0.00012%); highest among the groups gnomAD compares: Non-Finnish European, 0.00017%; no homozygotes.

Submission:

St. Jude Molecular Pathology, St. Jude Children's Research Hospital
Classification: Uncertain significance for Fanconi anemia complementation group D2. Last evaluated: 2024-05-07. Review status: criteria provided, single submitter. Criteria: St. Jude Assertion Criteria 2020. Collection method: clinical testing. Allele origin: germline.
Comment: The FANCD2 c.3242C>T (p.Pro1081Leu) missense change has a maximum subpopulation frequency of 0.00088% in gnomAD v2.1.1. The in silico tool REVEL predicts a benign effect on protein function, but to our knowledge this prediction has not been confirmed by functional studies. To our knowledge, this variant has not been reported in individuals with FANCD2-related Fanconi anemia. In summary, the evidence currently available is insufficient to determine the clinical significance of this variant. It has therefore been classified as of uncertain significance.